The following is an entry in ClinVar:

ClinVar aggregate classification (germline): Uncertain significance (1 of 4 stars; one submission).

gnomAD v4.1: 1 of 1,614,112 alleles (0.000062%); highest among the groups gnomAD compares: South Asian, 0.0011%; no homozygotes.

Submission:

Labcorp Genetics (formerly Invitae), Labcorp
Classification: Uncertain significance. Last evaluated: 2025-04-02. Review status: criteria provided, single submitter. Criteria: Invitae Variant Classification Sherloc (09022015). Collection method: clinical testing. Allele origin: germline.
Comment: This sequence change replaces arginine, which is basic and polar, with proline, which is neutral and non-polar, at codon 547 of the LOXL3 protein (p.Arg547Pro). This variant is not present in population databases (gnomAD no frequency). This variant has not been reported in the literature in individuals affected with LOXL3-related conditions. An algorithm developed to predict the effect of missense changes on protein structure and function (PolyPhen-2) suggests that this variant is likely to be disruptive. In summary, the available evidence is currently insufficient to determine the role of this variant in disease. Therefore, it has been classified as a Variant of Uncertain Significance.

NM_032603.5(LOXL3):c.1640G>C (p.Arg547Pro)

Gene: LOXL3 (lysyl oxidase like 3; minus strand). Cytogenetic location: 2p13.1.
Variant type: single nucleotide variant.
Coding change: c.1640G>C on transcript NM_032603.5 (MANE Select); coding-DNA position 1640, G replaced by C.
Protein change: p.Arg547Pro; replaces arginine 547 with proline.
Molecular consequence: missense variant.
Genome position (GRCh38, 1-based): chr2:74,534,714, C>G on the plus strand (G>C on the coding strand, the complement: LOXL3 is on the minus strand). VCF-style: chr2-74534714-C-G. GRCh37 (hg19) VCF-style: chr2-74761841-C-G.
Other names: c.1205G>C, p.Arg402Pro (NM_001289164.3); c.557G>C, p.Arg186Pro (NM_001289165.2); short protein forms R402P, R186P, R547P.
Identifiers: ClinVar variation 4701890 (VCV004701890.1).